The following is an entry in ClinVar:

ClinVar aggregate classification (germline): Likely benign (1 of 4 stars; one submission).

gnomAD v4.1: 1,804 of 1,610,840 alleles (0.11%); highest among the groups gnomAD compares: South Asian, 0.73%; 28 homozygotes.

Submission:

CeGaT Center for Human Genetics Tuebingen
Classification: Likely benign. Last evaluated: 2025-10-01. Review status: criteria provided, single submitter. Criteria: CeGaT Center For Human Genetics Tuebingen Variant Classification Criteria Version 2. Collection method: clinical testing. Allele origin: germline. Affected: yes. Observed: 2 variant alleles.
Comment: CCDC47: BP4, BP7, BS2

NM_020198.3(CCDC47):c.363G>T (p.Thr121=)

Gene: CCDC47 (coiled-coil domain containing 47; minus strand). Cytogenetic location: 17q23.3.
Variant type: single nucleotide variant.
Coding change: c.363G>T on transcript NM_020198.3 (MANE Select); coding-DNA position 363, G replaced by T.
Protein change: p.Thr121=; no amino-acid change (threonine 121 retained).
Molecular consequence: synonymous variant.
Genome position (GRCh38, 1-based): chr17:63,764,749, C>A on the plus strand (G>T on the coding strand, the complement: CCDC47 is on the minus strand). VCF-style: chr17-63764749-C-A. GRCh37 (hg19) VCF-style: chr17-61842109-C-A.
Identifiers: ClinVar variation 4083720 (VCV004083720.8).
Genomic context (GRCh38, chr17:63,764,749, plus strand): 5'-TGACAAGACATTTTGTTGTTTAGTTGGGAATTCAGAATCCTGGATACCTACATCAACAAT[C>A]GTTATTGGGTCTTTATTTTTGCTAGAAGAAGTATCTGGTTTGTCTTCATAACCTTCAAAT-3'
Protein context (NP_064583.2, residues 111-131): TSSSKNKDPI[Thr121=]IVDVPAHLQN